The following is an entry in ClinVar:

ClinVar aggregate classification (germline): Pathogenic. Review status: criteria provided, multiple submitters, no conflicts (2 of 4 stars). 3 submissions from 3 submitters: Pathogenic (3). Last evaluated 2025-06-22.

Conditions:
DYSF-related disorder. Also called: DYSF-related condition; DYSF-related disorders.
Neuromuscular disease caused by qualitative or quantitative defects of dysferlin. Also called: Dysferlinopathy; Qualitative or quantitative defects of dysferlin. Identifiers: Orphanet 207073, MedGen C2931687, MONDO:0016145.
Autosomal recessive limb-girdle muscular dystrophy type 2B (LGMDR2). Also called: MUSCULAR DYSTROPHY, LIMB-GIRDLE, TYPE 3; Limb-girdle muscular dystrophy, type 2B; MUSCULAR DYSTROPHY, LIMB-GIRDLE, AUTOSOMAL RECESSIVE 2; Limb-Girdle Muscular Dystrophy Type 2B (LGMD2B). Identifiers: Orphanet 268, MedGen C1850889, MONDO:0009676, OMIM 253601.

Submissions (3):

Labcorp Genetics (formerly Invitae), Labcorp
Classification: Pathogenic for Neuromuscular disease caused by qualitative or quantitative defects of dysferlin. Last evaluated: 2025-06-22. Review status: criteria provided, single submitter. Criteria: Invitae Variant Classification Sherloc (09022015). Collection method: clinical testing. Allele origin: germline.
Comment: This sequence change creates a premature translational stop signal (p.Gly489Glufs*4) in the DYSF gene. It is expected to result in an absent or disrupted protein product. Loss-of-function variants in DYSF are known to be pathogenic (PMID: 17698709, 20301480). This variant is not present in population databases (gnomAD no frequency). This premature translational stop signal has been observed in individuals with clinical features of dysferlinopathy (PMID: 25868377). This variant is also known as p.Pro488ProfsTer5. ClinVar contains an entry for this variant (Variation ID: 623388). For these reasons, this variant has been classified as Pathogenic.

3billion
Classification: Pathogenic for DYSF-related disorder. Last evaluated: 2024-11-16. Review status: criteria provided, single submitter. Criteria: ACMG Guidelines, 2015. Collection method: clinical testing. Allele origin: germline. Affected: yes.
Comment: The variant is not observed in the gnomAD v4.1.0 dataset. Predicted Consequence/Location: Frameshift: predicted to result in a loss or disruption of normal protein function through nonsense-mediated decay (NMD) or protein truncation. Multiple pathogenic variants are reported downstream of the variant. The variant has been reported at least twice as pathogenic without evidence for the classification (ClinVar ID: VCV000623388 /3billion dataset). Therefore, this variant is classified as Pathogenic according to the recommendation of ACMG/AMP guideline.

Department of Genetics, Sultan Qaboos University Hospital
Classification: Pathogenic for Autosomal recessive limb-girdle muscular dystrophy type 2B. Last evaluated: 2017-12-30. Review status: criteria provided, single submitter. Criteria: ACMG Guidelines, 2015. Collection method: clinical testing. Allele origin: unknown. Affected: yes.

Literature cited by the submitters: PubMed 17698709 (cited by Labcorp Genetics (formerly Invitae), Labcorp); PubMed 20301480 (cited by Labcorp Genetics (formerly Invitae), Labcorp); PubMed 25868377 (cited by Labcorp Genetics (formerly Invitae), Labcorp).

NM_001130987.2(DYSF):c.1560del (p.Gly521fs)

Gene: DYSF (dysferlin; plus strand). Cytogenetic location: 2p13.2.
Variant type: Deletion.
Coding change: c.1560del on transcript NM_001130987.2 (MANE Select); coding-DNA position 1560, one base deleted (T; older notation c.1560delT).
Protein change: p.Gly521fs; shifts the reading frame from glycine 521.
Molecular consequence: frameshift variant.
Genome position (GRCh38, 1-based): chr2:71,539,223, T deleted. VCF-style (leftmost placement, unchanged base first): chr2-71539222-CT-C. GRCh37 (hg19) VCF-style: chr2-71766352-CT-C.
Other names: c.1467del, p.Gly490fs (NM_001130455.2, NM_001130983.2, NM_001130984.2 and 1 more transcripts); c.1464del, p.Gly489fs (NM_001130976.2, NM_001130977.2, NM_001130978.2 and 1 more transcripts); c.1557del, p.Gly520fs (NM_001130979.2, NM_001130980.2, NM_001130981.2); c.1560del, p.Gly521fs (NM_001130982.2, NM_001130985.2); short protein forms G521fs, G490fs, G520fs, G489fs.
Identifiers: ClinVar variation 623388 (VCV000623388.12), dbSNP rs1456182703, ClinGen allele CA892672017.